The following is an entry in ClinVar:

NM_000352.6(ABCC8):c.2163G>C (p.Ser721=)

Gene: ABCC8 (ATP binding cassette subfamily C member 8; minus strand). Cytogenetic location: 11p15.1.
Variant type: single nucleotide variant.
Coding change: c.2163G>C on transcript NM_000352.6 (MANE Select); coding-DNA position 2163, G replaced by C.
Protein change: p.Ser721=; no amino-acid change (serine 721 retained).
Molecular consequence: synonymous variant. On other transcripts: non-coding transcript variant (1).
Genome position (GRCh38, 1-based): chr11:17,427,108, C>G on the plus strand (G>C on the coding strand, the complement: ABCC8 is on the minus strand). VCF-style: chr11-17427108-C-G. GRCh37 (hg19) VCF-style: chr11-17448655-C-G.
Other names: c.2163G>C, p.Ser721= (NM_001287174.3); c.2229G>C, p.Ser743= (NM_001351295.2); c.2160G>C, p.Ser720= (NM_001351296.2, NM_001351297.2).
Identifiers: ClinVar variation 794956 (VCV000794956.12), dbSNP rs201724038, ClinGen allele CA473302453.

ClinVar aggregate classification (germline): Conflicting classifications of pathogenicity. Review status: criteria provided, conflicting classifications (1 of 4 stars). 3 submissions from 2 submitters: Uncertain significance (2); Likely benign (1). Last evaluated 2023-05-14.

Conditions:
Transitory neonatal diabetes mellitus. Also called: Transient neonatal diabetes mellitus. Identifiers: MedGen C0342273, MONDO:0020525, HP:0008255.
Maturity-onset diabetes of the young (MODY). Also called: Maturity onset diabetes mellitus in young. Identifiers: Orphanet 552, MedGen C0342276, MONDO:0018911, HP:0004904.

Allele frequency attached by ClinVar (database versions not stated): TOPMed 0.00002; gnomAD 0.00003.
gnomAD v4.1: 8 of 1,613,720 alleles (0.0005%); highest among the groups gnomAD compares: Non-Finnish European, 0.00068%; no homozygotes.

Submissions (3):

Labcorp Genetics (formerly Invitae), Labcorp
Classification: Likely benign. Last evaluated: 2023-05-14. Review status: criteria provided, single submitter. Criteria: Invitae Variant Classification Sherloc (09022015). Collection method: clinical testing. Allele origin: germline.

Clinical Genomics, Uppaluri K&H Personalized Medicine Clinic
Classification: Uncertain significance for Transitory neonatal diabetes mellitus. Review status: criteria provided, single submitter. Criteria: K & H Uppaluri Personalized Medicine Clinic Variant Classification & Assertion Criteria_Updated V.1. Collection method: research. Allele origin: unknown. Inheritance: Somatic mutation.
Comment: Mutations in ABCC8 gene are associated with both neonatal diabetes mellitus as well as MODY. Patients with this mutation may have a better response to sulfonylureas. However, no sufficient evidence is found to ascertain the role of this particular variant (rs201724038) in neonatal diabetes yet.

Clinical Genomics, Uppaluri K&H Personalized Medicine Clinic
Classification: Uncertain significance for Maturity-onset diabetes of the young. Review status: criteria provided, single submitter. Criteria: K & H Uppaluri Personalized Medicine Clinic Variant Classification & Assertion Criteria_Updated V.1. Collection method: research. Allele origin: unknown. Inheritance: Somatic mutation.
Comment: Mutations in ABCC8 gene are associated with both neonatal diabetes mellitus as well as MODY. Patients with this mutation may have a better response to sulfonylureas. However, no sufficient evidence is found to ascertain the role of this particular variant (rs201724038) in MODY yet.

Literature cited by the submitters: PubMed 16885549 (cited by Clinical Genomics, Uppaluri K&H Personalized Medicine Clinic); PubMed 21989597 (cited by Clinical Genomics, Uppaluri K&H Personalized Medicine Clinic); PubMed 27538677 (cited by Clinical Genomics, Uppaluri K&H Personalized Medicine Clinic); PubMed 18981553 (cited by Clinical Genomics, Uppaluri K&H Personalized Medicine Clinic); PubMed 32027066 (cited by Clinical Genomics, Uppaluri K&H Personalized Medicine Clinic); PubMed 16613899 (cited by Clinical Genomics, Uppaluri K&H Personalized Medicine Clinic); PubMed 18025408 (cited by Clinical Genomics, Uppaluri K&H Personalized Medicine Clinic); PubMed 32792356 (cited by Clinical Genomics, Uppaluri K&H Personalized Medicine Clinic).